The following is an entry in ClinVar:

ClinVar aggregate classification (germline): Benign/Likely benign. Review status: criteria provided, multiple submitters, no conflicts (2 of 4 stars). 11 submissions from 11 submitters: Benign (4); Likely benign (5). 2 of the submissions do not count toward it. Last evaluated 2026-07-01.

Conditions:
Proteosome-associated autoinflammatory syndrome. Also called: Proteasome-associated autoinflammatory syndrome. Identifiers: Orphanet 324977, MedGen C1850568, MONDO:0009726.
Autoinflammatory syndrome. Identifiers: Orphanet 93665, MedGen C3890737, MONDO:0019751.
Proteasome-associated autoinflammatory syndrome 1 (PRAAS1). Also called: JOINT CONTRACTURES, MUSCULAR ATROPHY, MICROCYTIC ANEMIA, AND PANNICULITIS-INDUCED LIPODYSTROPHY; AUTOINFLAMMATION, LIPODYSTROPHY, AND DERMATOSIS SYNDROME; NAKAJO-NISHIMURA SYNDROME; CHRONIC ATYPICAL NEUTROPHILIC DERMATOSIS WITH LIPODYSTROPHY AND ELEVATED TEMPERATURE SYNDROME; Nakajo syndrome; JMP SYNDROME. Identifiers: Orphanet 2615, Orphanet 324977, Orphanet 324999, Orphanet 325004, MedGen C4746851, MONDO:0054698, OMIM 256040.

Allele frequency attached by ClinVar (database versions not stated): 1000 Genomes Project 0.00120; 1000 Genomes Project 30x 0.00141; ExAC 0.00216; gnomAD exomes 0.00217; gnomAD 0.00221 and 0.00224; TOPMed 0.00249; ESP Exome Variant Server 0.00415.

Submissions (11):

CeGaT Center for Human Genetics Tuebingen
Classification: Likely benign. Last evaluated: 2026-07-01. Review status: criteria provided, single submitter. Criteria: CeGaT Center For Human Genetics Tuebingen Variant Classification Criteria Version 2. Collection method: clinical testing. Allele origin: germline. Affected: yes. Observed: 8 variant alleles.
Comment: PSMB8: BP4, BS2

Women's Health and Genetics/Laboratory Corporation of America, LabCorp
Classification: Benign. Last evaluated: 2026-01-22. Review status: criteria provided, single submitter. Criteria: LabCorp Variant Classification Summary - May 2015. Collection method: clinical testing. Allele origin: germline.

Labcorp Genetics (formerly Invitae), Labcorp
Classification: Benign for Proteosome-associated autoinflammatory syndrome. Last evaluated: 2026-01-18. Review status: criteria provided, single submitter. Criteria: Invitae Variant Classification Sherloc (09022015). Collection method: clinical testing. Allele origin: germline.

Mayo Clinic Laboratories, Mayo Clinic
Classification: Benign. Last evaluated: 2025-02-19. Review status: criteria provided, single submitter. Criteria: ACMG Guidelines, 2015. Collection method: clinical testing. Allele origin: germline. Observed: 6 variant alleles.
Comment: BS1, BS2, BP4, BP7

Blueprint Genetics
Classification: Likely benign. Last evaluated: 2024-11-26. Review status: criteria provided, single submitter. Criteria: ACMG Guidelines, 2015. Collection method: clinical testing. Allele origin: germline.

Genome Diagnostics Laboratory, The Hospital for Sick Children
Classification: Benign for Autoinflammatory syndrome. Last evaluated: 2022-05-02. Review status: criteria provided, single submitter. Criteria: ACMG Guidelines, 2015. Collection method: clinical testing. Allele origin: germline. Affected: yes.

Genetic Services Laboratory, University of Chicago
Classification: Likely benign. Last evaluated: 2018-01-16. Review status: criteria provided, single submitter. Criteria: ACMG Guidelines, 2015. Collection method: clinical testing. Allele origin: germline. Affected: no.

Illumina Laboratory Services, Illumina
Classification: Likely benign for Proteasome-associated autoinflammatory syndrome 1. Last evaluated: 2018-01-12. Review status: criteria provided, single submitter. Criteria: ICSL Variant Classification Criteria 13 December 2019. Collection method: clinical testing. Allele origin: germline.
Comment: This variant was observed in the ICSL laboratory as part of a predisposition screen in an ostensibly healthy population. It had not been previously curated by ICSL or reported in the Human Gene Mutation Database (HGMD: prior to June 1st, 2018), and was therefore a candidate for classification through an automated scoring system. Utilizing variant allele frequency, disease prevalence and penetrance estimates, and inheritance mode, an automated score was calculated to assess if this variant is too frequent to cause the disease. Based on the score and internal cut-off values, a variant classified as likely benign is not then subjected to further curation. The score for this variant resulted in a classification of likely benign for this disease.

Breakthrough Genomics
Classification: Likely benign. Review status: criteria provided, single submitter. Criteria: ACMG Guidelines, 2015. Collection method: not provided. Allele origin: germline. Inheritance: Autosomal recessive inheritance. Affected: yes.

Clinical Genetics DNA and cytogenetics Diagnostics Lab, Erasmus MC, Erasmus Medical Center
Classification: Likely benign. Review status: no assertion criteria provided. Collection method: clinical testing. Allele origin: germline. Affected: yes. Study: VKGL Data-share Consensus. Not counted in ClinVar's aggregate classification.

Genome Diagnostics Laboratory, University Medical Center Utrecht
Classification: Likely benign. Review status: no assertion criteria provided. Collection method: clinical testing. Allele origin: germline. Affected: yes. Study: VKGL Data-share Consensus. Not counted in ClinVar's aggregate classification.

NM_148919.4(PSMB8):c.501C>T (p.Leu167=)

Gene: PSMB8 (proteasome 20S subunit beta 8; minus strand). Cytogenetic location: 6p21.32.
Variant type: single nucleotide variant.
Coding change: c.501C>T on transcript NM_148919.4 (MANE Select); coding-DNA position 501, C replaced by T.
Protein change: p.Leu167=; no amino-acid change (leucine 167 retained).
Molecular consequence: synonymous variant.
Genome position (GRCh38, 1-based): chr6:32,842,170, G>A on the plus strand (C>T on the coding strand, the complement: PSMB8 is on the minus strand). VCF-style: chr6-32842170-G-A. GRCh37 (hg19) VCF-style: chr6-32809947-G-A.
Other names: p.Leu167=; c.489C>T, p.Leu163= (NM_004159.5, LRG_1328t2); c.501C>T, p.Leu167= (LRG_1328t1).
Identifiers: ClinVar variation 465422 (VCV000465422.51), dbSNP rs11540143, ClinGen allele CA3746364.